The following is an entry in ClinVar:

NM_201384.3(PLEC):c.3513C>T (p.Asp1171=)

Gene: PLEC (plectin; minus strand). Cytogenetic location: 8q24.3.
Variant type: single nucleotide variant.
Coding change: c.3513C>T on transcript NM_201384.3 (MANE Select); coding-DNA position 3513, C replaced by T.
Protein change: p.Asp1171=; no amino-acid change (aspartic acid 1171 retained).
Molecular consequence: synonymous variant.
Genome position (GRCh38, 1-based): chr8:143,927,653, G>A on the plus strand (C>T on the coding strand, the complement: PLEC is on the minus strand). VCF-style: chr8-143927653-G-A. GRCh37 (hg19) VCF-style: chr8-145001821-G-A.
Other names: c.3594C>T (NM_000445.3); c.3594C>T, p.Asp1198= (NM_000445.5); c.3471C>T, p.Asp1157= (NM_201378.4); c.3447C>T, p.Asp1149= (NM_201379.3); c.3924C>T, p.Asp1308= (NM_201380.4); c.3417C>T, p.Asp1139= (NM_201381.3); c.3513C>T, p.Asp1171= (NM_201382.4); c.3525C>T, p.Asp1175= (NM_201383.3).
Identifiers: ClinVar variation 282542 (VCV000282542.18), dbSNP rs377035218, ClinGen allele CA4927035.

ClinVar aggregate classification (germline): Conflicting classifications of pathogenicity. Review status: criteria provided, conflicting classifications (1 of 4 stars). 4 submissions from 4 submitters: Uncertain significance (2); Likely benign (2). Last evaluated 2026-01-15.

Conditions:
PLEC-related disorder. Also called: PLEC-related disorders; PLEC-related condition.
Epidermolysis bullosa simplex with nail dystrophy (EBS5D). Identifiers: MedGen C4225309, MONDO:0014661, OMIM 616487.
Autosomal recessive limb-girdle muscular dystrophy type 2Q (LGMDR17). Also called: MUSCULAR DYSTROPHY, LIMB-GIRDLE, AUTOSOMAL RECESSIVE 17. Identifiers: Orphanet 254361, MedGen C3150989, MONDO:0013390, OMIM 613723.
Epidermolysis bullosa simplex 5C, with pyloric atresia (EBS5C). Also called: PLEC-Related Epidermolysis Bullosa with Pyloric Atresia; Epidermolysis bullosa simplex with pyloric atresia; PLEC1-Related Epidermolysis Bullosa with Pyloric Atresia. Identifiers: Orphanet 158684, MedGen C2677349, MONDO:0012807, OMIM 612138.
Epidermolysis bullosa simplex 5B, with muscular dystrophy (EBS5B). Also called: EPIDERMOLYSIS BULLOSA SIMPLEX AND LIMB-GIRDLE MUSCULAR DYSTROPHY; Epidermolysis bullosa simplex with muscular dystrophy. Identifiers: Orphanet 257, MedGen C2931072, MONDO:0009181, OMIM 226670.
Epidermolysis bullosa simplex, Ogna type (EBS5A). Also called: Pidermolysis bullosa simplex 5A, Ogna type; EPIDERMOLYSIS BULLOSA SIMPLEX 5A, OGNA TYPE. Identifiers: Orphanet 79401, MedGen C0432317, MONDO:0007555, OMIM 131950.

Allele frequency attached by ClinVar (database versions not stated): gnomAD 0.00001; TOPMed 0.00004; ESP Exome Variant Server 0.00008; gnomAD exomes 0.00011; ExAC 0.00014.
gnomAD v4.1: 54 of 1,583,534 alleles (0.0034%); highest among the groups gnomAD compares: Admixed American, 0.027%; no homozygotes.

Submissions (4):

Labcorp Genetics (formerly Invitae), Labcorp
Classification: Likely benign for Autosomal recessive limb-girdle muscular dystrophy type 2Q; Epidermolysis bullosa simplex, Ogna type; Epidermolysis bullosa simplex with nail dystrophy; Epidermolysis bullosa simplex 5C, with pyloric atresia; Epidermolysis bullosa simplex 5B, with muscular dystrophy. Last evaluated: 2026-01-15. Review status: criteria provided, single submitter. Criteria: Invitae Variant Classification Sherloc (09022015). Collection method: clinical testing. Allele origin: germline.

PreventionGenetics, part of Exact Sciences
Classification: Likely benign for PLEC-related condition. Last evaluated: 2025-12-22. Review status: criteria provided, single submitter. Criteria: ACMG Guidelines, 2015. Collection method: clinical testing. Allele origin: germline.
Comment: This variant is classified as likely benign based on ACMG/AMP sequence variant interpretation guidelines (Richards et al. 2015 PMID: 25741868, with internal and published modifications).

Revvity Omics, Revvity
Classification: Uncertain significance. Last evaluated: 2019-07-02. Review status: criteria provided, single submitter. Criteria: ACMG Guidelines, 2015. Collection method: clinical testing. Allele origin: germline.

Eurofins Ntd Llc (ga)
Classification: Uncertain significance. Last evaluated: 2015-08-14. Review status: criteria provided, single submitter. Criteria: EGL Classification Definitions 2015. Collection method: clinical testing. Allele origin: germline. Observed: 1 variant allele, 1 heterozygote.